The following is an entry in ClinVar:

ClinVar aggregate classification (germline): Uncertain significance (0 of 4 stars; one submission).

Conditions:
PIK3R1-related disorder. Also called: PIK3R1-related condition.

gnomAD v4.1: 3 of 1,613,492 alleles (0.00019%); highest among the groups gnomAD compares: Non-Finnish European, 0.00025%; no homozygotes.

Submission:

PreventionGenetics, part of Exact Sciences
Classification: Uncertain significance for PIK3R1-related condition. Last evaluated: 2024-01-10. Review status: no assertion criteria provided. Collection method: clinical testing. Allele origin: germline.
Comment: The PIK3R1 c.943A>C variant is predicted to result in the amino acid substitution p.Thr315Pro. To our knowledge, this variant has not been reported in the literature or in a large population database, indicating this variant is rare. At this time, the clinical significance of this variant is uncertain due to the absence of conclusive functional and genetic evidence.

NM_181523.3(PIK3R1):c.943A>C (p.Thr315Pro)

Gene: PIK3R1 (phosphoinositide-3-kinase regulatory subunit 1; plus strand). Cytogenetic location: 5q13.1.
Variant type: single nucleotide variant.
Coding change: c.943A>C on transcript NM_181523.3 (MANE Select); coding-DNA position 943, A replaced by C.
Protein change: p.Thr315Pro; replaces threonine 315 with proline.
Molecular consequence: missense variant.
Genome position (GRCh38, 1-based): chr5:68,292,285, A>C. VCF-style: chr5-68292285-A-C. GRCh37 (hg19) VCF-style: chr5-67588113-A-C.
Other names: c.133A>C, p.Thr45Pro (NM_181504.4); c.43A>C, p.Thr15Pro (NM_181524.2); short protein forms T15P, T315P, T45P.
Identifiers: ClinVar variation 3029217 (VCV003029217.2), dbSNP rs1747438034, ClinGen allele CA359878179.